The following is an entry in ClinVar:

ClinVar aggregate classification (germline): Uncertain significance (1 of 4 stars; one submission).

Submission:

Labcorp Genetics (formerly Invitae), Labcorp
Classification: Uncertain significance. Last evaluated: 2023-10-18. Review status: criteria provided, single submitter. Criteria: Invitae Variant Classification Sherloc (09022015). Collection method: clinical testing. Allele origin: germline.
Comment: This sequence change replaces alanine, which is neutral and non-polar, with threonine, which is neutral and polar, at codon 149 of the GRIN2D protein (p.Ala149Thr). This variant is not present in population databases (gnomAD no frequency). This variant has not been reported in the literature in individuals affected with GRIN2D-related conditions. Advanced modeling of protein sequence and biophysical properties (such as structural, functional, and spatial information, amino acid conservation, physicochemical variation, residue mobility, and thermodynamic stability) performed at Invitae indicates that this missense variant is not expected to disrupt GRIN2D protein function. In summary, the available evidence is currently insufficient to determine the role of this variant in disease. Therefore, it has been classified as a Variant of Uncertain Significance.

NM_000836.4(GRIN2D):c.445G>A (p.Ala149Thr)

Genes: GRIN2D (glutamate ionotropic receptor NMDA type subunit 2D; plus strand), LOC130064856 (ATAC-STARR-seq lymphoblastoid silent region 10880; plus strand). Cytogenetic location: 19q13.33.
Variant type: single nucleotide variant.
Coding change: c.445G>A on transcript NM_000836.4 (MANE Select); coding-DNA position 445, G replaced by A.
Protein change: p.Ala149Thr; replaces alanine 149 with threonine.
Molecular consequence: missense variant.
Genome position (GRCh38, 1-based): chr19:48,398,837, G>A. VCF-style: chr19-48398837-G-A. GRCh37 (hg19) VCF-style: chr19-48902094-G-A.
Other names: short protein forms A149T.
Identifiers: ClinVar variation 2794806 (VCV002794806.3), dbSNP rs2516063053, ClinGen allele CA406689237.
Genomic context (GRCh38, chr19:48,398,837, plus strand): 5'-ATCCTCGACTTCCTGTCGGCGCAGACCTCGCTGCCCATCGTGGCCGTGCACGGCGGCGCC[G>A]CGCTCGTGCTCACGCCCAAGGTGCGCGCGACCGGGGCGGGGCGGGGCCACAGGAGGGGCG-3'
Protein context (NP_000827.2, residues 139-159): LPIVAVHGGA[Ala149Thr]LVLTPKEKGS